The following is an entry in ClinVar:

ClinVar aggregate classification (germline): Pathogenic (1 of 4 stars; one submission).

Submission:

GeneDx
Classification: Pathogenic. Last evaluated: 2022-01-05. Review status: criteria provided, single submitter. Criteria: GeneDx Variant Classification Process June 2021. Collection method: clinical testing. Allele origin: germline. Affected: yes.
Comment: Not observed at significant frequency in large population cohorts (gnomAD); In silico analysis supports that this missense variant has a deleterious effect on protein structure/function; Has not been previously published as pathogenic or benign to our knowledge

NM_003070.5(SMARCA2):c.3298A>C (p.Thr1100Pro)

Gene: SMARCA2 (SWI/SNF related, matrix associated, actin dependent regulator of chromatin, subfamily a, member 2; plus strand). Cytogenetic location: 9p24.3.
Variant type: single nucleotide variant.
Coding change: c.3298A>C on transcript NM_003070.5 (MANE Select); coding-DNA position 3298, A replaced by C.
Protein change: p.Thr1100Pro; replaces threonine 1100 with proline.
Molecular consequence: missense variant.
Genome position (GRCh38, 1-based): chr9:2,110,259, A>C. VCF-style: chr9-2110259-A-C. GRCh37 (hg19) VCF-style: chr9-2110259-A-C.
Other names: c.3298A>C, p.Thr1100Pro (NM_001289396.2, NM_139045.4); c.3124A>C, p.Thr1042Pro (NM_001289397.2); short protein forms T1042P, T1100P.
Identifiers: ClinVar variation 1334325 (VCV001334325.2), dbSNP rs1252315133, ClinGen allele CA372787971.